The following is an entry in ClinVar:

NM_000535.7(PMS2):c.2212G>C (p.Val738Leu)

Gene: PMS2 (PMS1 homolog 2, mismatch repair system component; minus strand). Cytogenetic location: 7p22.1.
Variant type: single nucleotide variant.
Coding change: c.2212G>C on transcript NM_000535.7 (MANE Select); coding-DNA position 2212, G replaced by C.
Protein change: p.Val738Leu; replaces valine 738 with leucine.
Molecular consequence: missense variant. On other transcripts: non-coding transcript variant (1).
Genome position (GRCh38, 1-based): chr7:5,978,659, C>G on the plus strand (G>C on the coding strand, the complement: PMS2 is on the minus strand). VCF-style: chr7-5978659-C-G. GRCh37 (hg19) VCF-style: chr7-6018290-C-G.
Other names: c.1903G>C, p.Val635Leu (NM_001322015.2); c.1807G>C, p.Val603Leu (NM_001322003.2, NM_001322004.2, NM_001322005.2 and 1 more transcripts); c.2056G>C, p.Val686Leu (NM_001322006.2); c.1894G>C, p.Val632Leu (NM_001322007.2, NM_001322008.2); c.1651G>C, p.Val551Leu (NM_001322010.2); c.1279G>C, p.Val427Leu (NM_001322011.2, NM_001322012.2); c.1639G>C, p.Val547Leu (NM_001322013.2); c.2212G>C, p.Val738Leu (NM_001322014.2); short protein forms V427L, V547L, V551L, V603L, V632L, V635L, V686L, V738L.
Identifiers: ClinVar variation 929021 (VCV000929021.12), dbSNP rs758225108, ClinGen allele CA047074.

ClinVar aggregate classification (germline): Conflicting classifications of pathogenicity. Review status: criteria provided, conflicting classifications (1 of 4 stars). 6 submissions from 6 submitters: Uncertain significance (4); Likely benign (2). Last evaluated 2026-04-28.

Conditions:
Hereditary cancer-predisposing syndrome. Also called: Hereditary neoplastic syndrome; Neoplastic Syndromes, Hereditary; Hereditary Cancer Syndrome; Tumor predisposition. Identifiers: Orphanet 140162, MedGen C0027672, MeSH D009386, MONDO:0015356.

Allele frequency attached by ClinVar (database versions not stated): 1000 Genomes Project 30x 0.00031.

Submissions (6):

Ambry Genetics
Classification: Likely benign for Hereditary cancer-predisposing syndrome. Last evaluated: 2026-04-28. Review status: criteria provided, single submitter. Criteria: Ambry Variant Classification Scheme 2023. Collection method: clinical testing. Allele origin: germline.

Center for Genomic Medicine, Rigshospitalet, Copenhagen University Hospital
Classification: Likely benign. Last evaluated: 2025-12-29. Review status: criteria provided, single submitter. Criteria: ACMG Guidelines, 2015. Collection method: clinical testing. Allele origin: germline.
Comment: Classification criteria: BS1, BP4

Dasa
Classification: Uncertain significance. Last evaluated: 2025-07-28. Review status: criteria provided, single submitter. Criteria: DASA Assertion Criteria. Collection method: clinical testing. Allele origin: germline.
Comment: NM_000535.7(PMS2):c.2212G>C (p.Val738Leu) is a missense variant that results in the substitution of valine with leucine. This variant is rare in population databases. Computational prediction algorithms are consistent with a benign effect. The currently available literature and clinical evidence are not sufficient to establish a definitive association between this variant and the reported condition. Therefore, this variant is classified as a variant of uncertain significance.

Color Diagnostics, LLC DBA Color Health
Classification: Uncertain significance for Hereditary cancer-predisposing syndrome. Last evaluated: 2024-08-20. Review status: criteria provided, single submitter. Criteria: ACMG Guidelines, 2015. Collection method: clinical testing. Allele origin: germline.
Comment: This missense variant replaces valine with leucine at codon 738 of the PMS2 protein. Computational prediction suggests that this variant may not impact protein structure and function. To our knowledge, functional studies have not been reported for this variant. This variant has not been reported in individuals affected with hereditary cancer in the literature. This variant has not been identified in the general population by the Genome Aggregation Database (gnomAD). The available evidence is insufficient to determine the role of this variant in disease conclusively. Therefore, this variant is classified as a Variant of Uncertain Significance.

Sema4
Classification: Uncertain significance for Hereditary cancer-predisposing syndrome. Last evaluated: 2022-01-13. Review status: criteria provided, single submitter. Criteria: Sema4 Curation Guidelines. Collection method: curation. Allele origin: germline.
Comment: The PMS2 c.2212G>C (p.V738L) variant has not been reported in the literature to our knowledge. It was observed in 7/24274 chromosomes of the African/African American (AFR) subpopulation in the large and broad cohorts of the Genome Aggregation Database (PMID: 32461654). This variant has been reported in ClinVar (Variation ID 929021). Functional studies have not been performed, and in silico predictions of the variant's effect on protein function are inconclusive. The evidence is insufficient to meet ACMG/AMP criteria for classifying the variant as benign or pathogenic. Thus, the clinical significance of this variant is currently uncertain.

Women's Health and Genetics/Laboratory Corporation of America, LabCorp
Classification: Uncertain significance. Last evaluated: 2021-05-03. Review status: criteria provided, single submitter. Criteria: LabCorp Variant Classification Summary - May 2015. Collection method: clinical testing. Allele origin: germline.
Comment: Variant summary: PMS2 c.2212G>C (p.Val738Leu) results in a conservative amino acid change located in the MutL, C-terminal, dimerisation domain (IPR014790) of the encoded protein sequence. Five of five in-silico tools predict a benign effect of the variant on protein function. The variant allele was found at a frequency of 4e-05 in 248174 control chromosomes. This frequency is not significantly higher than expected for a pathogenic variant in PMS2 causing Hereditary Nonpolyposis Colorectal Cancer (4e-05 vs 7.1e-05), allowing no conclusion about variant significance. To our knowledge, no occurrence of c.2212G>C in individuals affected with Hereditary Nonpolyposis Colorectal Cancer/Lynch syndrome and no experimental evidence demonstrating its impact on protein function have been reported. No clinical diagnostic laboratories have submitted clinical-significance assessments for this variant to ClinVar after 2014. Based on the evidence outlined above, the variant was classified as uncertain significance.